The following is an entry in ClinVar:

NM_020207.7(ERCC6L2):c.2933A>T (p.Asp978Val)

Gene: ERCC6L2 (ERCC excision repair 6 like 2; plus strand). Cytogenetic location: 9q22.32.
Variant type: single nucleotide variant.
Coding change: c.2933A>T on transcript NM_020207.7 (MANE Select); coding-DNA position 2933, A replaced by T.
Protein change: p.Asp978Val; replaces aspartic acid 978 with valine.
Molecular consequence: missense variant. On other transcripts: non-coding transcript variant (1).
Genome position (GRCh38, 1-based): chr9:95,972,684, A>T. VCF-style: chr9-95972684-A-T. GRCh37 (hg19) VCF-style: chr9-98734966-A-T.
Other names: c.2933A>T, p.Asp978Val (NM_001375291.1, NM_001375292.1, NM_001375293.1 and 1 more transcripts); short protein forms D978V.
Identifiers: ClinVar variation 2700202 (VCV002700202.3), dbSNP rs1316946268, ClinGen allele CA2697557868.

ClinVar aggregate classification (germline): Uncertain significance (1 of 4 stars; one submission).

Submission:

Labcorp Genetics (formerly Invitae), Labcorp
Classification: Uncertain significance. Last evaluated: 2024-11-05. Review status: criteria provided, single submitter. Criteria: Invitae Variant Classification Sherloc (09022015). Collection method: clinical testing. Allele origin: germline.
Comment: This sequence change replaces aspartic acid, which is acidic and polar, with valine, which is neutral and non-polar, at codon 989 of the ERCC6L2 protein (p.Asp989Val). This variant is not present in population databases (gnomAD no frequency). This variant has not been reported in the literature in individuals affected with ERCC6L2-related conditions. ClinVar contains an entry for this variant (Variation ID: 2700202). Experimental studies and prediction algorithms are not available or were not evaluated, and the functional significance of this variant is currently unknown. In summary, the available evidence is currently insufficient to determine the role of this variant in disease. Therefore, it has been classified as a Variant of Uncertain Significance.